The following is an entry in ClinVar:

NM_000142.5(FGFR3):c.682T>C (p.Cys228Arg)

Gene: FGFR3 (fibroblast growth factor receptor 3; plus strand). Cytogenetic location: 4p16.3.
Variant type: single nucleotide variant.
Coding change: c.682T>C on transcript NM_000142.5 (MANE Select); coding-DNA position 682, T replaced by C.
Protein change: p.Cys228Arg; replaces cysteine 228 with arginine.
Molecular consequence: missense variant. On other transcripts: non-coding transcript variant (1).
Genome position (GRCh38, 1-based): chr4:1,801,686, T>C. VCF-style: chr4-1801686-T-C. GRCh37 (hg19) VCF-style: chr4-1803413-T-C.
Other names: c.682T>C, p.Cys228Arg (NM_001163213.2, NM_001354809.2, NM_001354810.2 and 1 more transcripts); short protein forms C228R.
Identifiers: ClinVar variation 4857825 (VCV004857825.1).

ClinVar aggregate classification (germline): Uncertain significance (1 of 4 stars; one submission).

Conditions:
FGFR3-related chondrodysplasia. Identifiers: Orphanet 93420, MedGen C5681604, MONDO:0019685.

Submission:

Genomenon, Inc
Classification: Uncertain significance for FGFR3-related chondrodysplasia. Last evaluated: 2026-06-23. Review status: criteria provided, single submitter. Criteria: Genomenon Sequence Variant Interpretation Standards - Updated. Collection method: curation. Allele origin: germline. Affected: no.
Comment: FGFR3 p.Cys228Arg (c.682T>C) is a missense variant that changes the amino acid at codon 228 from Cysteine to Arginine. To our knowledge, this variant has not been reported in patients affected with an FGFR3-related disorder in the published literature. At least one functional study has demonstrated a substantial alteration in protein function relative to the wild-type (PMID:27596331). It is absent or not present at a significant frequency in gnomAD. In silico models predict that this variant is possibly or probably damaging. In conclusion, we classify FGFR3 p.Cys228Arg (c.682T>C) as a variant of uncertain significance.

Literature cited by the submitters: PubMed 39848978; PubMed 27596331; PubMed 30545934; PubMed 28652245.